The following is an entry in ClinVar:

NM_001184.4(ATR):c.5071G>A (p.Gly1691Arg)

Gene: ATR (ATR checkpoint kinase; minus strand). Cytogenetic location: 3q23.
Variant type: single nucleotide variant.
Coding change: c.5071G>A on transcript NM_001184.4 (MANE Select); coding-DNA position 5071, G replaced by A.
Protein change: p.Gly1691Arg; replaces glycine 1691 with arginine.
Molecular consequence: missense variant.
Genome position (GRCh38, 1-based): chr3:142,505,264, C>T on the plus strand (G>A on the coding strand, the complement: ATR is on the minus strand). VCF-style: chr3-142505264-C-T. GRCh37 (hg19) VCF-style: chr3-142224106-C-T.
Other names: c.4879G>A, p.Gly1627Arg (NM_001354579.2); short protein forms G1627R, G1691R.
Identifiers: ClinVar variation 1024067 (VCV001024067.10), dbSNP rs1309474194, ClinGen allele CA354820065.

ClinVar aggregate classification (germline): Uncertain significance. Review status: criteria provided, multiple submitters, no conflicts (2 of 4 stars). 2 submissions from 2 submitters: Uncertain significance (2). Last evaluated 2025-12-22.

Allele frequency attached by ClinVar (database versions not stated): gnomAD exomes 0.00001; gnomAD 0.00002 and 0.00003; TOPMed 0.00005.
gnomAD v4.1: 17 of 1,613,824 alleles (0.0011%); highest among the groups gnomAD compares: African/African-American, 0.008%; no homozygotes.

Submissions (2):

Labcorp Genetics (formerly Invitae), Labcorp
Classification: Uncertain significance. Last evaluated: 2025-12-22. Review status: criteria provided, single submitter. Criteria: Invitae Variant Classification Sherloc (09022015). Collection method: clinical testing. Allele origin: germline.
Comment: This sequence change replaces glycine, which is neutral and non-polar, with arginine, which is basic and polar, at codon 1691 of the ATR protein (p.Gly1691Arg). This variant is present in population databases (no rsID available, gnomAD 0.007%). This variant has not been reported in the literature in individuals affected with ATR-related conditions. ClinVar contains an entry for this variant (Variation ID: 1024067). An algorithm developed to predict the effect of missense changes on protein structure and function (PolyPhen-2) suggests that this variant is likely to be disruptive. Algorithms developed to predict the effect of sequence changes on RNA splicing suggest that this variant may disrupt the consensus splice site. In summary, the available evidence is currently insufficient to determine the role of this variant in disease. Therefore, it has been classified as a Variant of Uncertain Significance.

Revvity Omics, Revvity
Classification: Uncertain significance. Last evaluated: 2025-08-11. Review status: criteria provided, single submitter. Criteria: ACMG Guidelines, 2015. Collection method: clinical testing. Allele origin: germline.